The following is an entry in ClinVar:

NM_014225.6(PPP2R1A):c.533C>A (p.Thr178Asn)

Gene: PPP2R1A (protein phosphatase 2 scaffold subunit Aalpha; plus strand). Cytogenetic location: 19q13.41.
Variant type: single nucleotide variant.
Coding change: c.533C>A on transcript NM_014225.6 (MANE Select); coding-DNA position 533, C replaced by A.
Protein change: p.Thr178Asn; replaces threonine 178 with asparagine.
Molecular consequence: missense variant. On other transcripts: 5 prime UTR variant (1), non-coding transcript variant (1).
Genome position (GRCh38, 1-based): chr19:52,212,715, C>A. VCF-style: chr19-52212715-C-A. GRCh37 (hg19) VCF-style: chr19-52715968-C-A.
Other names: c.-5C>A (NM_001363656.2); short protein forms T178N.
Identifiers: ClinVar variation 4537882 (VCV004537882.2).

ClinVar aggregate classification (germline): Pathogenic. Review status: criteria provided, multiple submitters, no conflicts (2 of 4 stars). 2 submissions from 2 submitters: Pathogenic (2). Last evaluated 2025-06-26.

Conditions:
Houge-Janssens syndrome 2. Also called: Microcephaly-corpus callosum hypoplasia-intellectual disability-facial dysmorphism syndrome; INTELLECTUAL DEVELOPMENTAL DISORDER, AUTOSOMAL DOMINANT 36; PPP2R1A-Related Neurodevelopmental Disorder. Identifiers: Orphanet 457284, MedGen C4225352, MONDO:0014605, OMIM 616362.

Submissions (2):

3billion
Classification: Pathogenic for Houge-Janssens syndrome 2. Last evaluated: 2025-06-26. Review status: criteria provided, single submitter. Criteria: ACMG Guidelines, 2015. Collection method: clinical testing. Allele origin: germline. Affected: yes.
Comment: The variant is not observed in the gnomAD v4.1.0 dataset. Predicted Consequence/Location: Missense variant. Missense changes are a common disease-causing mechanism. Functional studies provide moderate evidence of the variant having a damaging effect on the gene or gene product (PMID: 33106617). In silico tool predictions suggest damaging effect of the variant on gene or gene product [3Cnet: 0.88 (> 0.75, sensitivity 0.96 and precision 0.92)]. The same nucleotide change resulting in the same amino acid change has been previously reported to be associated with PPP2R1A-related disorder (PMID: 33106617).The variant has been previously reported as de novo in a similarly affected individual (PMID: 33106617). Therefore, this variant is classified as Pathogenic according to the recommendation of ACMG/AMP guideline.

GeneDx
Classification: Pathogenic. Last evaluated: 2025-06-09. Review status: criteria provided, single submitter. Criteria: GeneDx Variant Classification Process June 2021. Collection method: clinical testing. Allele origin: germline. Affected: yes.
Comment: Published functional studies demonstrate a damaging effect on ability to bind PP2A B56 family of B-type subunits and a non-specific phosphopeptide (PMID: 33106617); In silico analysis supports that this missense variant has a deleterious effect on protein structure/function; Not observed at significant frequency in large population cohorts (gnomAD); This variant is associated with the following publications: (PMID: 33057194, 37010288, 35982159, 33106617)

Literature cited by the submitters: PubMed 33106617 (cited by 3billion).